The following is an entry in ClinVar:

NM_152564.5(VPS13B):c.3211-3T>C

Gene: VPS13B (vacuolar protein sorting 13 homolog B; plus strand). Cytogenetic location: 8q22.2.
Variant type: single nucleotide variant.
Coding change: c.3211-3T>C on transcript NM_152564.5 (MANE Select); 3 bases into the intron before coding-DNA position 3211, T replaced by C.
Molecular consequence: intron variant.
Genome position (GRCh38, 1-based): chr8:99,442,398, T>C. VCF-style: chr8-99442398-T-C. GRCh37 (hg19) VCF-style: chr8-100454626-T-C.
Other names: c.3211-3T>C (NM_017890.5, NM_152564.4).
Identifiers: ClinVar variation 2266345 (VCV002266345.3), dbSNP rs1817719182, ClinGen allele CA1805763771.
Genomic context (GRCh38, chr8:99,442,398, plus strand): 5'-GTTAGGTGTTTGAAGGCATATTTAGTCTAATCCGAATATTTTAATTCTGCTTTTCTTTTC[T>C]AGCTTGAAGTACAATCTTGTTGTGTGTTTATTCCAAATGATAGCCTGCCTTCCCCAAGTA-3'

ClinVar aggregate classification (germline): Uncertain significance. Review status: criteria provided, single submitter (1 of 4 stars). 2 submissions from 2 submitters: Uncertain significance (1). 1 of the submissions does not count toward it. Last evaluated 2022-01-27.

Conditions:
Inborn genetic diseases. Identifiers: MedGen C0950123, MeSH D030342.
VPS13B-related disorder. Also called: VPS13B-related condition.

Allele frequency attached by ClinVar (database versions not stated): TOPMed below 0.00001.

Submissions (2):

Ambry Genetics
Classification: Uncertain significance for Inborn genetic diseases. Last evaluated: 2022-01-27. Review status: criteria provided, single submitter. Criteria: Ambry Variant Classification Scheme 2023. Collection method: clinical testing. Allele origin: germline.
Comment: The c.3211-3T>C intronic alteration consists of a T to C substitution 3 nucleotides before exon 23 (coding exon 22) of the VPS13B gene. Based on insufficient or conflicting evidence, the clinical significance of this alteration remains unclear.

PreventionGenetics, part of Exact Sciences
Classification: Likely benign for VPS13B-related condition. Last evaluated: 2024-03-27. Review status: no assertion criteria provided. Collection method: clinical testing. Allele origin: germline. Not counted in ClinVar's aggregate classification.
Comment: This variant is classified as likely benign based on ACMG/AMP sequence variant interpretation guidelines (Richards et al. 2015 PMID: 25741868, with internal and published modifications).